The following is an entry in ClinVar:

ClinVar aggregate classification (germline): Uncertain significance (1 of 4 stars; one submission).

Conditions:
Hereditary spastic paraplegia 75. Also called: Spastic paraplegia 75, autosomal recessive. Identifiers: Orphanet 459056, MedGen C4225250, MONDO:0014729, OMIM 616680.

Allele frequency attached by ClinVar (database versions not stated): gnomAD exomes 0.00002; gnomAD 0.00003 and 0.00004; TOPMed 0.00003; ExAC 0.00004.
gnomAD v4.1: 39 of 1,562,390 alleles (0.0025%); highest among the groups gnomAD compares: Non-Finnish European, 0.0034%; no homozygotes.

Submission:

Labcorp Genetics (formerly Invitae), Labcorp
Classification: Uncertain significance for Hereditary spastic paraplegia 75. Last evaluated: 2021-06-26. Review status: criteria provided, single submitter. Criteria: Invitae Variant Classification Sherloc (09022015). Collection method: clinical testing. Allele origin: germline.
Comment: In summary, the available evidence is currently insufficient to determine the role of this variant in disease. Therefore, it has been classified as a Variant of Uncertain Significance. Nucleotide substitutions within the consensus splice site are a relatively common cause of aberrant splicing (PMID: 17576681, 9536098). Algorithms developed to predict the effect of sequence changes on RNA splicing suggest that this variant may disrupt the consensus splice site. This variant has not been reported in the literature in individuals affected with MAG-related conditions. This variant is present in population databases (rs769703123, ExAC 0.007%). This sequence change falls in intron 4 of the MAG gene. It does not directly change the encoded amino acid sequence of the MAG protein. It affects a nucleotide within the consensus splice site of the intron.

Literature cited by the submitters: PubMed 17576681; PubMed 9536098.

NM_002361.4(MAG):c.415+4A>C

Gene: MAG (myelin associated glycoprotein; plus strand). Cytogenetic location: 19q13.12.
Variant type: single nucleotide variant.
Coding change: c.415+4A>C on transcript NM_002361.4 (MANE Select); 4 bases into the intron after coding-DNA position 415, A replaced by C.
Molecular consequence: intron variant.
Genome position (GRCh38, 1-based): chr19:35,295,985, A>C. VCF-style: chr19-35295985-A-C. GRCh37 (hg19) VCF-style: chr19-35786888-A-C.
Other names: c.415+4A>C (NM_080600.3); c.340+4A>C (NM_001199216.2).
Identifiers: ClinVar variation 1439086 (VCV001439086.4), dbSNP rs769703123, ClinGen allele CA9375997.